The following is an entry in ClinVar:

ClinVar aggregate classification (germline): Benign/Likely benign. Review status: criteria provided, multiple submitters, no conflicts (2 of 4 stars). 3 submissions from 3 submitters: Benign (1); Likely benign (1). 1 of the submissions does not count toward it. Last evaluated 2025-10-06.

Conditions:
TGM6-related disorder. Also called: TGM6-related condition.

Allele frequency attached by ClinVar (database versions not stated): gnomAD exomes 0.00021 and 0.00008; gnomAD 0.00073 and 0.00067; 1000 Genomes Project 0.00020; TOPMed 0.00091; ExAC 0.00019; 1000 Genomes Project 30x 0.00062; ESP Exome Variant Server 0.00085.
gnomAD v4.1: 224 of 1,613,532 alleles (0.014%); highest among the groups gnomAD compares: African/African-American, 0.28%; no homozygotes.

Submissions (3):

Labcorp Genetics (formerly Invitae), Labcorp
Classification: Likely benign. Last evaluated: 2025-10-06. Review status: criteria provided, single submitter. Criteria: Invitae Variant Classification Sherloc (09022015). Collection method: clinical testing. Allele origin: germline.

Athena Diagnostics
Classification: Benign. Last evaluated: 2019-04-29. Review status: criteria provided, single submitter. Criteria: Athena Diagnostics Criteria. Collection method: clinical testing. Allele origin: germline.

PreventionGenetics, part of Exact Sciences
Classification: Likely benign for TGM6-related condition. Last evaluated: 2020-05-11. Review status: no assertion criteria provided. Collection method: clinical testing. Allele origin: germline. Not counted in ClinVar's aggregate classification.
Comment: This variant is classified as likely benign based on ACMG/AMP sequence variant interpretation guidelines (Richards et al. 2015 PMID: 25741868, with internal and published modifications).

NM_198994.3(TGM6):c.751T>C (p.Trp251Arg)

Gene: TGM6 (transglutaminase 6; plus strand). Cytogenetic location: 20p13.
Variant type: single nucleotide variant.
Coding change: c.751T>C on transcript NM_198994.3 (MANE Select); coding-DNA position 751, T replaced by C.
Protein change: p.Trp251Arg; replaces tryptophan 251 with arginine.
Molecular consequence: missense variant.
Genome position (GRCh38, 1-based): chr20:2,399,639, T>C. VCF-style: chr20-2399639-T-C. GRCh37 (hg19) VCF-style: chr20-2380285-T-C.
Other names: c.751T>C, p.Trp251Arg (NM_001254734.2); short protein forms W251R.
Identifiers: ClinVar variation 805667 (VCV000805667.6), dbSNP rs375649994, ClinGen allele CA9731808.